The following is an entry in ClinVar:

ClinVar aggregate classification (germline): Benign (1 of 4 stars; one submission).

gnomAD v4.1: 1,568,219 of 1,592,598 alleles (98%); highest among the groups gnomAD compares: East Asian, 100%; 774,139 homozygotes.

Submission:

Molecular Diagnostic Laboratory for Inherited Cardiovascular Disease, Montreal Heart Institute
Classification: Benign. Last evaluated: 2026-09-21. Review status: criteria provided, single submitter. Criteria: ACMG Guidelines, 2015. Collection method: clinical testing. Allele origin: germline. Affected: no.
Comment: BA1

NM_053025.4(MYLK):c.588+33G>T

Gene: MYLK (myosin light chain kinase; minus strand). Cytogenetic location: 3q21.1.
Variant type: single nucleotide variant.
Coding change: c.588+33G>T on transcript NM_053025.4 (MANE Select); 33 bases into the intron after coding-DNA position 588, G replaced by T.
Molecular consequence: intron variant.
Genome position (GRCh38, 1-based): chr3:123,738,864, C>A on the plus strand (G>T on the coding strand, the complement: MYLK is on the minus strand). VCF-style: chr3-123738864-C-A. GRCh37 (hg19) VCF-style: chr3-123457711-C-A.
Other names: c.60+33G>T (NM_001321309.2); c.588+33G>T (NM_053028.4, NM_053026.4, NM_053027.4).
Identifiers: ClinVar variation 5037891 (VCV005037891.1), dbSNP rs2198766.